The following is an entry in ClinVar:

ClinVar aggregate classification (germline): Uncertain significance (1 of 4 stars; one submission).

Conditions:
Inborn genetic diseases. Identifiers: MedGen C0950123, MeSH D030342.

Submission:

Ambry Genetics
Classification: Uncertain significance for Inborn genetic diseases. Last evaluated: 2026-01-15. Review status: criteria provided, single submitter. Criteria: Ambry Variant Classification Scheme 2023. Collection method: clinical testing. Allele origin: germline.
Comment: The p.I681T variant (also known as c.2042T>C), located in coding exon 14 of the ERCC6L2 gene, results from a T to C substitution at nucleotide position 2042. The isoleucine at codon 681 is replaced by threonine, an amino acid with similar properties. This amino acid position is conserved. In addition, this alteration is predicted to be tolerated by in silico analysis. Based on the available evidence, the clinical significance of this variant remains unclear.

NM_020207.7(ERCC6L2):c.2042T>C (p.Ile681Thr)

Gene: ERCC6L2 (ERCC excision repair 6 like 2; plus strand). Cytogenetic location: 9q22.32.
Variant type: single nucleotide variant.
Coding change: c.2042T>C on transcript NM_020207.7 (MANE Select); coding-DNA position 2042, T replaced by C.
Protein change: p.Ile681Thr; replaces isoleucine 681 with threonine.
Molecular consequence: missense variant. On other transcripts: non-coding transcript variant (1).
Genome position (GRCh38, 1-based): chr9:95,966,656, T>C. VCF-style: chr9-95966656-T-C. GRCh37 (hg19) VCF-style: chr9-98728938-T-C.
Other names: c.2042T>C, p.Ile681Thr (NM_001010895.4, NM_001375291.1, NM_001375292.1 and 2 more transcripts); short protein forms I681T.
Identifiers: ClinVar variation 4019415 (VCV004019415.2).